The following is an entry in ClinVar:

ClinVar aggregate classification (germline): Uncertain significance (1 of 4 stars; one submission).

Allele frequency attached by ClinVar (database versions not stated): gnomAD 0.00001.
gnomAD v4.1: 13 of 1,614,192 alleles (0.00081%); highest among the groups gnomAD compares: Middle Eastern, 0.016%; no homozygotes.

Submission:

GeneDx
Classification: Uncertain significance. Last evaluated: 2022-12-15. Review status: criteria provided, single submitter. Criteria: GeneDx Variant Classification Process June 2021. Collection method: clinical testing. Allele origin: germline. Affected: yes.
Comment: Not observed at significant frequency in large population cohorts (gnomAD); In silico analysis supports that this missense variant has a deleterious effect on protein structure/function; Has not been previously published as pathogenic or benign to our knowledge

NM_014112.5(TRPS1):c.2252A>C (p.Glu751Ala)

Gene: TRPS1 (transcriptional repressor GATA binding 1; minus strand). Cytogenetic location: 8q23.3.
Variant type: single nucleotide variant.
Coding change: c.2252A>C on transcript NM_014112.5 (MANE Select); coding-DNA position 2252, A replaced by C.
Protein change: p.Glu751Ala; replaces glutamic acid 751 with alanine.
Molecular consequence: missense variant.
Genome position (GRCh38, 1-based): chr8:115,587,449, T>G on the plus strand (A>C on the coding strand, the complement: TRPS1 is on the minus strand). VCF-style: chr8-115587449-T-G. GRCh37 (hg19) VCF-style: chr8-116599676-T-G.
Other names: c.2225A>C, p.Glu742Ala (NM_001282902.3); c.2231A>C, p.Glu744Ala (NM_001282903.3); c.2213A>C, p.Glu738Ala (NM_001330599.2); short protein forms E738A, E742A, E744A, E751A.
Identifiers: ClinVar variation 1707219 (VCV001707219.2), dbSNP rs2130445509, ClinGen allele CA372065530.